The following is an entry in ClinVar:

NM_005609.4(PYGM):c.2411G>A (p.Arg804Gln)

Gene: PYGM (glycogen phosphorylase, muscle associated; minus strand). Cytogenetic location: 11q13.1.
Variant type: single nucleotide variant.
Coding change: c.2411G>A on transcript NM_005609.4 (MANE Select); coding-DNA position 2411, G replaced by A.
Protein change: p.Arg804Gln; replaces arginine 804 with glutamine.
Molecular consequence: missense variant.
Genome position (GRCh38, 1-based): chr11:64,746,777, C>T on the plus strand (G>A on the coding strand, the complement: PYGM is on the minus strand). VCF-style: chr11-64746777-C-T. GRCh37 (hg19) VCF-style: chr11-64514249-C-T.
Other names: c.2147G>A, p.Arg716Gln (NM_001164716.1); short protein forms R716Q, R804Q.
Identifiers: ClinVar variation 2049008 (VCV002049008.3), dbSNP rs372295369, ClinGen allele CA6079516.

ClinVar aggregate classification (germline): Uncertain significance. Review status: criteria provided, multiple submitters, no conflicts (2 of 4 stars). 3 submissions from 3 submitters: Uncertain significance (3). Last evaluated 2024-05-24.

Conditions:
Glycogen storage disease, type V (GSD5). Also called: MUSCLE GLYCOGEN PHOSPHORYLASE DEFICIENCY; MYOPHOSPHORYLASE DEFICIENCY; PYGM DEFICIENCY; McArdle type glycogen storage disease; MCARDLE DISEASE. Identifiers: Orphanet 368, MedGen C0017924, MONDO:0009293, OMIM 232600.

Allele frequency attached by ClinVar (database versions not stated): ExAC 0.00001; TOPMed 0.00006; gnomAD 0.00007; ESP Exome Variant Server 0.00008.

Submissions (3):

Fulgent Genetics
Classification: Uncertain significance for Glycogen storage disease, type V. Last evaluated: 2024-05-24. Review status: criteria provided, single submitter. Criteria: ACMG Guidelines, 2015. Collection method: clinical testing. Allele origin: germline.

Blueprint Genetics
Classification: Uncertain significance. Last evaluated: 2022-12-22. Review status: criteria provided, single submitter. Criteria: ACMG Guidelines, 2015. Collection method: clinical testing. Allele origin: germline.

Labcorp Genetics (formerly Invitae), Labcorp
Classification: Uncertain significance for Glycogen storage disease, type V. Last evaluated: 2022-02-08. Review status: criteria provided, single submitter. Criteria: Invitae Variant Classification Sherloc (09022015). Collection method: clinical testing. Allele origin: germline.
Comment: This sequence change replaces arginine, which is basic and polar, with glutamine, which is neutral and polar, at codon 804 of the PYGM protein (p.Arg804Gln). This variant is present in population databases (rs372295369, gnomAD 0.01%). This variant has not been reported in the literature in individuals affected with PYGM-related conditions. Algorithms developed to predict the effect of missense changes on protein structure and function are either unavailable or do not agree on the potential impact of this missense change (SIFT: "Not Available"; PolyPhen-2: "Benign"; Align-GVGD: "Not Available"). In summary, the available evidence is currently insufficient to determine the role of this variant in disease. Therefore, it has been classified as a Variant of Uncertain Significance.